The following is an entry in ClinVar:

NM_014704.4(CEP104):c.1328_1334del (p.Ala443fs)

Gene: CEP104 (centrosomal protein 104; minus strand). Cytogenetic location: 1p36.32.
Variant type: Deletion.
Coding change: c.1328_1334del on transcript NM_014704.4 (MANE Select); coding-DNA positions 1328 to 1334, 7 bases deleted (CCTATTG; older notation c.1328_1334delCCTATTG).
Protein change: p.Ala443fs; shifts the reading frame from alanine 443.
Molecular consequence: frameshift variant.
Genome position (GRCh38, 1-based): chr1:3,835,076-3,835,082, CAATAGG deleted on the plus strand (CCTATTG on the coding strand, the reverse complement: CEP104 is on the minus strand); deleting any 7 consecutive bases within chr1:3,835,076-3,835,083 gives the same sequence; the c. name uses the placement nearest the transcript's 3' end. VCF-style (leftmost placement, unchanged base first): chr1-3835075-ACAATAGG-A. GRCh37 (hg19) VCF-style: chr1-3751639-ACAATAGG-A.
Other names: short protein forms A443fs.
Identifiers: ClinVar variation 4880771 (VCV004880771.2).

ClinVar aggregate classification (germline): Likely pathogenic (1 of 4 stars; one submission).

Submission:

Dasa
Classification: Likely pathogenic. Last evaluated: 2025-02-12. Review status: criteria provided, single submitter. Criteria: DASA Assertion Criteria. Collection method: clinical testing. Allele origin: germline.
Comment: NM_014704.4(CEP104):c.1328_1334del (p.Ala443Valfs*18) is a frameshift variant in CEP104 predicted to alter the reading frame and introduce a premature termination codon and is predicted to result in an absent or altered protein product. Loss of function is an established disease mechanism for CEP104-associated disorders. Also, this variant is absent from population databases. Based on the currently available evidence, this variant is classified as likely pathogenic.